The following is an entry in ClinVar:

ClinVar aggregate classification (germline): Uncertain significance (1 of 4 stars; one submission).

Conditions:
Pyridoxine-dependent epilepsy (EPEO4). Also called: Pyridoxine-Dependent Epilepsy - ALDH7A1; PYRIDOXINE DEPENDENCY WITH SEIZURES; EPILEPSY, EARLY-ONSET, 4, VITAMIN B6-DEPENDENT; Pyridoxine-Dependent Seizures. Identifiers: Orphanet 3006, MedGen C1849508, MONDO:0009945, OMIM 266100. Disease mechanism: loss of function.

Submission:

Labcorp Genetics (formerly Invitae), Labcorp
Classification: Uncertain significance for Pyridoxine-dependent epilepsy. Last evaluated: 2022-07-06. Review status: criteria provided, single submitter. Criteria: Invitae Variant Classification Sherloc (09022015). Collection method: clinical testing. Allele origin: germline.
Comment: In summary, the available evidence is currently insufficient to determine the role of this variant in disease. Therefore, it has been classified as a Variant of Uncertain Significance. Advanced modeling of protein sequence and biophysical properties (such as structural, functional, and spatial information, amino acid conservation, physicochemical variation, residue mobility, and thermodynamic stability) performed at Invitae indicates that this missense variant is expected to disrupt ALDH7A1 protein function. ClinVar contains an entry for this variant (Variation ID: 1345764). This variant has not been reported in the literature in individuals affected with ALDH7A1-related conditions. This variant is not present in population databases (gnomAD no frequency). This sequence change replaces alanine, which is neutral and non-polar, with threonine, which is neutral and polar, at codon 220 of the ALDH7A1 protein (p.Ala220Thr).

NM_001182.5(ALDH7A1):c.658G>A (p.Ala220Thr)

Gene: ALDH7A1 (aldehyde dehydrogenase 7 family member A1; minus strand). Cytogenetic location: 5q23.2.
Variant type: single nucleotide variant.
Coding change: c.658G>A on transcript NM_001182.5 (MANE Select); coding-DNA position 658, G replaced by A.
Protein change: p.Ala220Thr; replaces alanine 220 with threonine.
Molecular consequence: missense variant.
Genome position (GRCh38, 1-based): chr5:126,575,457, C>T on the plus strand (G>A on the coding strand, the complement: ALDH7A1 is on the minus strand). VCF-style: chr5-126575457-C-T. GRCh37 (hg19) VCF-style: chr5-125911149-C-T.
Other names: c.574G>A, p.Ala192Thr (NM_001201377.2); c.658G>A, p.Ala220Thr (NM_001202404.2); short protein forms A220T, A192T.
Identifiers: ClinVar variation 1345764 (VCV001345764.6), dbSNP rs2112792275, ClinGen allele CA360730430.